The following is an entry in ClinVar:

NM_001134407.3(GRIN2A):c.932C>A (p.Ser311Tyr)

Gene: GRIN2A (glutamate ionotropic receptor NMDA type subunit 2A; minus strand). Cytogenetic location: 16p13.2.
Variant type: single nucleotide variant.
Coding change: c.932C>A on transcript NM_001134407.3 (MANE Select); coding-DNA position 932, C replaced by A.
Protein change: p.Ser311Tyr; replaces serine 311 with tyrosine.
Molecular consequence: missense variant.
Genome position (GRCh38, 1-based): chr16:9,938,034, G>T on the plus strand (C>A on the coding strand, the complement: GRIN2A is on the minus strand). VCF-style: chr16-9938034-G-T. GRCh37 (hg19) VCF-style: chr16-10031891-G-T.
Other names: c.932C>A, p.Ser311Tyr (NM_000833.5, NM_001134408.2); short protein forms S311Y.
Identifiers: ClinVar variation 2301548 (VCV002301548.27), dbSNP rs754698963, ClinGen allele CA7896874.

ClinVar aggregate classification (germline): Uncertain significance. Review status: criteria provided, multiple submitters, no conflicts (2 of 4 stars). 3 submissions from 3 submitters: Uncertain significance (3). Last evaluated 2024-05-20.

Conditions:
Landau-Kleffner syndrome (FESD). Also called: EPILEPSY, FOCAL, WITH SPEECH DISORDER AND WITH OR WITHOUT MENTAL RETARDATION; APHASIA, ACQUIRED, WITH EPILEPSY. Identifiers: Orphanet 1945, Orphanet 725, Orphanet 98818, MedGen C0282512, MONDO:0009509, OMIM 245570.
Inborn genetic diseases. Identifiers: MedGen C0950123, MeSH D030342.

Allele frequency attached by ClinVar (database versions not stated): ExAC 0.00001; gnomAD exomes 0.00001.
gnomAD v4.1: 8 of 1,614,058 alleles (0.0005%); highest among the groups gnomAD compares: Non-Finnish European, 0.00068%; no homozygotes.

Submissions (3):

Labcorp Genetics (formerly Invitae), Labcorp
Classification: Uncertain significance for Landau-Kleffner syndrome. Last evaluated: 2024-05-20. Review status: criteria provided, single submitter. Criteria: Invitae Variant Classification Sherloc (09022015). Collection method: clinical testing. Allele origin: germline.
Comment: This sequence change replaces serine, which is neutral and polar, with tyrosine, which is neutral and polar, at codon 311 of the GRIN2A protein (p.Ser311Tyr). This variant is present in population databases (rs754698963, gnomAD 0.0009%). This variant has not been reported in the literature in individuals affected with GRIN2A-related conditions. ClinVar contains an entry for this variant (Variation ID: 2301548). Advanced modeling of protein sequence and biophysical properties (such as structural, functional, and spatial information, amino acid conservation, physicochemical variation, residue mobility, and thermodynamic stability) performed at Invitae indicates that this missense variant is not expected to disrupt GRIN2A protein function with a negative predictive value of 80%. In summary, the available evidence is currently insufficient to determine the role of this variant in disease. Therefore, it has been classified as a Variant of Uncertain Significance.

CeGaT Center for Human Genetics Tuebingen
Classification: Uncertain significance. Last evaluated: 2024-02-01. Review status: criteria provided, single submitter. Criteria: CeGaT Center For Human Genetics Tuebingen Variant Classification Criteria Version 2. Collection method: clinical testing. Allele origin: germline. Affected: yes. Observed: 1 variant allele.
Comment: GRIN2A: PM2, BP4

Ambry Genetics
Classification: Uncertain significance for Inborn genetic diseases. Last evaluated: 2022-07-13. Review status: criteria provided, single submitter. Criteria: Ambry Variant Classification Scheme 2023. Collection method: clinical testing. Allele origin: germline.